The following is an entry in ClinVar:

NM_022367.4(SEMA4A):c.79C>T (p.Pro27Ser)

Gene: SEMA4A (semaphorin 4A; plus strand). Cytogenetic location: 1q22.
Variant type: single nucleotide variant.
Coding change: c.79C>T on transcript NM_022367.4 (MANE Select); coding-DNA position 79, C replaced by T.
Protein change: p.Pro27Ser; replaces proline 27 with serine.
Molecular consequence: missense variant. On other transcripts: 5 prime UTR variant (1), intron variant (3).
Genome position (GRCh38, 1-based): chr1:156,154,657, C>T. VCF-style: chr1-156154657-C-T. GRCh37 (hg19) VCF-style: chr1-156124448-C-T.
Other names: c.79C>T, p.Pro27Ser (NM_001193300.2, NM_001193301.2, NM_001370567.1); c.-446C>T (NM_001370571.1); c.-385-1757C>T (NM_001370569.1); c.-158-1757C>T (NM_001370568.1); c.-159+893C>T (NM_001193302.2); short protein forms P27S.
Identifiers: ClinVar variation 1936583 (VCV001936583.5), dbSNP rs750729394, ClinGen allele CA1154890.
Genomic context (GRCh38, chr1:156,154,657, plus strand): 5'-GGCCTGGACCCCTGGAGCCTCCTGGGCCTTTTCCTCTTCCAACTGCTTCAGCTGCTGCTG[C>T]CGACGACGACCGCGGGGGGAGGCGGGCAGGGGCCCATGCCCAGGGTCAGATACTATGCAG-3'
Protein context (NP_071762.2, residues 17-37): FLFQLLQLLL[Pro27Ser]TTTAGGGGQG

ClinVar aggregate classification (germline): Uncertain significance (1 of 4 stars; one submission).

Allele frequency attached by ClinVar (database versions not stated): ExAC 0.00001; gnomAD 0.00001; gnomAD exomes 0.00001; TOPMed 0.00001.
gnomAD v4.1: 21 of 1,604,788 alleles (0.0013%); highest among the groups gnomAD compares: Admixed American, 0.0017%; no homozygotes.

Submission:

Labcorp Genetics (formerly Invitae), Labcorp
Classification: Uncertain significance. Last evaluated: 2025-05-12. Review status: criteria provided, single submitter. Criteria: Invitae Variant Classification Sherloc (09022015). Collection method: clinical testing. Allele origin: germline.
Comment: This sequence change replaces proline, which is neutral and non-polar, with serine, which is neutral and polar, at codon 27 of the SEMA4A protein (p.Pro27Ser). The frequency data for this variant in the population databases is considered unreliable, as metrics indicate poor data quality at this position in the gnomAD database. This variant has not been reported in the literature in individuals affected with SEMA4A-related conditions. ClinVar contains an entry for this variant (Variation ID: 1936583). An algorithm developed to predict the effect of missense changes on protein structure and function (PolyPhen-2) suggests that this variant is likely to be tolerated. In summary, the available evidence is currently insufficient to determine the role of this variant in disease. Therefore, it has been classified as a Variant of Uncertain Significance.